The following is an entry in ClinVar:

ClinVar aggregate classification (germline): Uncertain significance (1 of 4 stars; one submission).

Submission:

Labcorp Genetics (formerly Invitae), Labcorp
Classification: Uncertain significance. Last evaluated: 2024-08-15. Review status: criteria provided, single submitter. Criteria: Invitae Variant Classification Sherloc (09022015). Collection method: clinical testing. Allele origin: germline.
Comment: This sequence change replaces threonine, which is neutral and polar, with serine, which is neutral and polar, at codon 1056 of the KMT2E protein (p.Thr1056Ser). This variant is not present in population databases (gnomAD no frequency). This variant has not been reported in the literature in individuals affected with KMT2E-related conditions. Invitae Evidence Modeling of protein sequence and biophysical properties (such as structural, functional, and spatial information, amino acid conservation, physicochemical variation, residue mobility, and thermodynamic stability) indicates that this missense variant is not expected to disrupt KMT2E protein function with a negative predictive value of 80%. In summary, the available evidence is currently insufficient to determine the role of this variant in disease. Therefore, it has been classified as a Variant of Uncertain Significance.

NM_182931.3(KMT2E):c.3166A>T (p.Thr1056Ser)

Gene: KMT2E (lysine methyltransferase 2E (inactive); plus strand). Cytogenetic location: 7q22.3.
Variant type: single nucleotide variant.
Coding change: c.3166A>T on transcript NM_182931.3 (MANE Select); coding-DNA position 3166, A replaced by T.
Protein change: p.Thr1056Ser; replaces threonine 1056 with serine.
Molecular consequence: missense variant.
Genome position (GRCh38, 1-based): chr7:105,107,623, A>T. VCF-style: chr7-105107623-A-T. GRCh37 (hg19) VCF-style: chr7-104748070-A-T.
Other names: c.3166A>T, p.Thr1056Ser (NM_001410908.1, NM_018682.4); short protein forms T1056S.
Identifiers: ClinVar variation 3699030 (VCV003699030.2).